The following is an entry in ClinVar:

NM_032444.4(SLX4):c.1841A>T (p.Asp614Val)

Gene: SLX4 (SLX4 structure-specific endonuclease subunit; minus strand). Cytogenetic location: 16p13.3.
Variant type: single nucleotide variant.
Coding change: c.1841A>T on transcript NM_032444.4 (MANE Select); coding-DNA position 1841, A replaced by T.
Protein change: p.Asp614Val; replaces aspartic acid 614 with valine.
Molecular consequence: missense variant.
Genome position (GRCh38, 1-based): chr16:3,596,236, T>A on the plus strand (A>T on the coding strand, the complement: SLX4 is on the minus strand). VCF-style: chr16-3596236-T-A. GRCh37 (hg19) VCF-style: chr16-3646237-T-A.
Other names: c.1841A>T (LRG_503t1); short protein forms D614V.
Identifiers: ClinVar variation 655497 (VCV000655497.12), dbSNP rs966027727, ClinGen allele CA276962336.
Genomic context (GRCh38, chr16:3,596,236, plus strand): 5'-AGGCCCCCACTGCCGGGCCACGGGCTGGCGCTCAGTCCCTCCCTCGCCAGGTCCACGAGG[T>A]CCTGCAGGGCCTGGTGCTCCCTCTGGCTGGCCGAAGGCGACGGGCCCCTGGAGCCACAGC-3'
Protein context (NP_115820.2, residues 604-624): ASQREHQALQ[Asp614Val]LVDLAREGLS

ClinVar aggregate classification (germline): Uncertain significance. Review status: criteria provided, multiple submitters, no conflicts (2 of 4 stars). 3 submissions from 3 submitters: Uncertain significance (3). Last evaluated 2024-09-15.

Conditions:
Fanconi anemia complementation group P. Also called: SLX4-Related Fanconi Anemia. Identifiers: Orphanet 84, MedGen C3469542, MONDO:0013499, OMIM 613951.
Fanconi anemia (FA). Also called: Fanconi's anemia. Identifiers: Orphanet 84, MedGen C0015625, MeSH D005199, MONDO:0019391.

Allele frequency attached by ClinVar (database versions not stated): gnomAD exomes below 0.00001; gnomAD 0.00001; TOPMed 0.00001.

Submissions (3):

Labcorp Genetics (formerly Invitae), Labcorp
Classification: Uncertain significance for Fanconi anemia. Last evaluated: 2024-09-15. Review status: criteria provided, single submitter. Criteria: Invitae Variant Classification Sherloc (09022015). Collection method: clinical testing. Allele origin: germline.
Comment: This sequence change replaces aspartic acid, which is acidic and polar, with valine, which is neutral and non-polar, at codon 614 of the SLX4 protein (p.Asp614Val). This variant is present in population databases (no rsID available, gnomAD 0.01%). This variant has not been reported in the literature in individuals affected with SLX4-related conditions. ClinVar contains an entry for this variant (Variation ID: 655497). An algorithm developed to predict the effect of missense changes on protein structure and function outputs the following: PolyPhen-2: "Probably Damaging". The valine amino acid residue is found in multiple mammalian species, which suggests that this missense change does not adversely affect protein function. In summary, the available evidence is currently insufficient to determine the role of this variant in disease. Therefore, it has been classified as a Variant of Uncertain Significance.

Fulgent Genetics
Classification: Uncertain significance for Fanconi anemia complementation group P. Last evaluated: 2024-04-15. Review status: criteria provided, single submitter. Criteria: ACMG Guidelines, 2015. Collection method: clinical testing. Allele origin: germline.

GeneDx
Classification: Uncertain significance. Last evaluated: 2020-09-17. Review status: criteria provided, single submitter. Criteria: GeneDx Variant Classification Process June 2021. Collection method: clinical testing. Allele origin: germline. Affected: yes.
Comment: Not observed at a significant frequency in large population cohorts (Lek et al., 2016); In silico analysis supports that this missense variant has a deleterious effect on protein structure/function; Has not been previously published as pathogenic or benign to our knowledge